The following is an entry in ClinVar:

ClinVar aggregate classification (germline): Uncertain significance. Review status: criteria provided, multiple submitters, no conflicts (2 of 4 stars). 2 submissions from 2 submitters: Uncertain significance (2). Last evaluated 2024-02-28.

Allele frequency attached by ClinVar (database versions not stated): gnomAD exomes below 0.00001; ExAC 0.00001.

Submissions (2):

GeneDx
Classification: Uncertain significance. Last evaluated: 2024-02-28. Review status: criteria provided, single submitter. Criteria: GeneDx Variant Classification Process June 2021. Collection method: clinical testing. Allele origin: germline. Affected: yes.
Comment: Has not been previously published as pathogenic or benign to our knowledge; Not observed at significant frequency in large population cohorts (gnomAD); In silico analysis supports that this missense variant has a deleterious effect on protein structure/function; Not located in the triple helical region, where the majority of pathogenic missense variants occur (HGMD; PMID: 25240749); This variant is associated with the following publications: (PMID: 25240749)

Labcorp Genetics (formerly Invitae), Labcorp
Classification: Uncertain significance. Last evaluated: 2021-11-03. Review status: criteria provided, single submitter. Criteria: Invitae Variant Classification Sherloc (09022015). Collection method: clinical testing. Allele origin: germline.
Comment: This sequence change replaces proline, which is neutral and non-polar, with leucine, which is neutral and non-polar, at codon 456 of the COL11A1 protein (p.Pro456Leu). This variant is present in population databases (rs754099465, gnomAD 0.003%). This variant has not been reported in the literature in individuals affected with COL11A1-related conditions. Advanced modeling of protein sequence and biophysical properties (such as structural, functional, and spatial information, amino acid conservation, physicochemical variation, residue mobility, and thermodynamic stability) performed at Invitae indicates that this missense variant is not expected to disrupt COL11A1 protein function. In summary, the available evidence is currently insufficient to determine the role of this variant in disease. Therefore, it has been classified as a Variant of Uncertain Significance.

NM_001854.4(COL11A1):c.1367C>T (p.Pro456Leu)

Gene: COL11A1 (collagen type XI alpha 1 chain; minus strand). Cytogenetic location: 1p21.1.
Variant type: single nucleotide variant.
Coding change: c.1367C>T on transcript NM_001854.4 (MANE Select); coding-DNA position 1367, C replaced by T.
Protein change: p.Pro456Leu; replaces proline 456 with leucine.
Molecular consequence: missense variant. On other transcripts: non-coding transcript variant (1).
Genome position (GRCh38, 1-based): chr1:103,017,866, G>A on the plus strand (C>T on the coding strand, the complement: COL11A1 is on the minus strand). VCF-style: chr1-103017866-G-A. GRCh37 (hg19) VCF-style: chr1-103483422-G-A.
Other names: c.1367C>T (NM_001854.3); c.1250C>T, p.Pro417Leu (NM_001190709.2); c.1403C>T, p.Pro468Leu (NM_080629.3); c.1019C>T, p.Pro340Leu (NM_080630.4); short protein forms P456L, P468L, P340L, P417L.
Identifiers: ClinVar variation 1486618 (VCV001486618.7), dbSNP rs754099465, ClinGen allele CA974999.